The following is an entry in ClinVar:

NM_006389.5(HYOU1):c.514G>T (p.Ala172Ser)

Gene: HYOU1 (hypoxia up-regulated 1; minus strand). Cytogenetic location: 11q23.3.
Variant type: single nucleotide variant.
Coding change: c.514G>T on transcript NM_006389.5 (MANE Select); coding-DNA position 514, G replaced by T.
Protein change: p.Ala172Ser; replaces alanine 172 with serine.
Molecular consequence: missense variant.
Genome position (GRCh38, 1-based): chr11:119,054,658, C>A on the plus strand (G>T on the coding strand, the complement: HYOU1 is on the minus strand). VCF-style: chr11-119054658-C-A. GRCh37 (hg19) VCF-style: chr11-118925370-C-A.
Other names: c.514G>T, p.Ala172Ser (NM_001130991.3); short protein forms A172S.
Identifiers: ClinVar variation 1373508 (VCV001373508.6), dbSNP rs782759985, ClinGen allele CA229648142.

ClinVar aggregate classification (germline): Uncertain significance (1 of 4 stars; one submission).

gnomAD v4.1: 2 of 1,612,744 alleles (0.00012%); highest among the groups gnomAD compares: Admixed American, 0.0033%; 1 homozygote.

Submission:

Labcorp Genetics (formerly Invitae), Labcorp
Classification: Uncertain significance. Last evaluated: 2021-11-07. Review status: criteria provided, single submitter. Criteria: Invitae Variant Classification Sherloc (09022015). Collection method: clinical testing. Allele origin: germline.
Comment: In summary, the available evidence is currently insufficient to determine the role of this variant in disease. Therefore, it has been classified as a Variant of Uncertain Significance. Algorithms developed to predict the effect of missense changes on protein structure and function are either unavailable or do not agree on the potential impact of this missense change (SIFT: "Not Available"; PolyPhen-2: "Possibly Damaging"; Align-GVGD: "Not Available"). This variant has not been reported in the literature in individuals affected with HYOU1-related conditions. The frequency data for this variant in the population databases is considered unreliable, as metrics indicate poor data quality at this position in the gnomAD database. This sequence change replaces alanine with serine at codon 172 of the HYOU1 protein (p.Ala172Ser). The alanine residue is moderately conserved and there is a moderate physicochemical difference between alanine and serine.